The following is an entry in ClinVar:

ClinVar aggregate classification (germline): Uncertain significance (1 of 4 stars; one submission).

Conditions:
Autosomal dominant epilepsy with auditory features. Identifiers: Orphanet 101046, MedGen C1838062, MONDO:0010898.

Submission:

Labcorp Genetics (formerly Invitae), Labcorp
Classification: Uncertain significance for Autosomal dominant epilepsy with auditory features. Last evaluated: 2024-08-12. Review status: criteria provided, single submitter. Criteria: Invitae Variant Classification Sherloc (09022015). Collection method: clinical testing. Allele origin: germline.
Comment: This sequence change replaces phenylalanine, which is neutral and non-polar, with leucine, which is neutral and non-polar, at codon 511 of the LGI1 protein (p.Phe511Leu). This variant is not present in population databases (gnomAD no frequency). This variant has not been reported in the literature in individuals affected with LGI1-related conditions. Advanced modeling of protein sequence and biophysical properties (such as structural, functional, and spatial information, amino acid conservation, physicochemical variation, residue mobility, and thermodynamic stability) performed at Invitae indicates that this missense variant is not expected to disrupt LGI1 protein function with a negative predictive value of 80%. In summary, the available evidence is currently insufficient to determine the role of this variant in disease. Therefore, it has been classified as a Variant of Uncertain Significance.

NM_005097.4(LGI1):c.1531T>C (p.Phe511Leu)

Gene: LGI1 (leucine rich glioma inactivated 1; plus strand). Cytogenetic location: 10q23.33.
Variant type: single nucleotide variant.
Coding change: c.1531T>C on transcript NM_005097.4 (MANE Select); coding-DNA position 1531, T replaced by C.
Protein change: p.Phe511Leu; replaces phenylalanine 511 with leucine.
Molecular consequence: missense variant. On other transcripts: non-coding transcript variant (1), intron variant (1).
Genome position (GRCh38, 1-based): chr10:93,797,660, T>C. VCF-style: chr10-93797660-T-C. GRCh37 (hg19) VCF-style: chr10-95557417-T-C.
Other names: c.1387T>C, p.Phe463Leu (NM_001308276.2); c.839-89T>C (NM_001308275.2); short protein forms F463L, F511L.
Identifiers: ClinVar variation 3662108 (VCV003662108.2).